The following is an entry in ClinVar:

NM_001367624.2(ZNF469):c.3183C>A (p.Arg1061=)

Genes: ZNF469 (zinc finger protein 469; plus strand), LOC130059718 (ATAC-STARR-seq lymphoblastoid silent region 7847; plus strand). Cytogenetic location: 16q24.2.
Variant type: single nucleotide variant.
Coding change: c.3183C>A on transcript NM_001367624.2 (MANE Select); coding-DNA position 3183, C replaced by A.
Protein change: p.Arg1061=; no amino-acid change (arginine 1061 retained).
Molecular consequence: synonymous variant.
Genome position (GRCh38, 1-based): chr16:88,430,653, C>A. VCF-style: chr16-88430653-C-A. GRCh37 (hg19) VCF-style: chr16-88497061-C-A.
Other names: NM_001127464.1:c.3179+4C>A.
Identifiers: ClinVar variation 1728501 (VCV001728501.2), dbSNP rs756703220, ClinGen allele CA2241073459.

ClinVar aggregate classification (germline): Uncertain significance (1 of 4 stars; one submission).

Conditions:
Cardiovascular phenotype. Identifiers: MedGen CN230736.

Submission:

Ambry Genetics
Classification: Uncertain significance for Cardiovascular phenotype. Last evaluated: 2019-03-08. Review status: criteria provided, single submitter. Criteria: Ambry Variant Classification Scheme 2023. Collection method: clinical testing. Allele origin: germline.
Comment: The c.3179+4C>A intronic variant results from a C to A substitution 4 nucleotides after coding exon 1 in the ZNF469 gene. This nucleotide position is poorly conserved in available vertebrate species. In addition, the ESEfinder and Human Splicing Finder (HSF) splice site prediction tools do not predict a deleterious effect on the native splice donor site (Desmet FO et al. Nucleic Acids Res. 2009 May;37:e67). Since supporting evidence is limited at this time, the clinical significance of this alteration remains unclear.

Literature cited by the submitters: PubMed 23680354.